The following is an entry in ClinVar:

NM_001378454.1(ALMS1):c.4504G>C (p.Val1502Leu)

Gene: ALMS1 (ALMS1 centrosome and basal body associated protein; plus strand). Cytogenetic location: 2p13.1.
Variant type: single nucleotide variant.
Coding change: c.4504G>C on transcript NM_001378454.1 (MANE Select); coding-DNA position 4504, G replaced by C.
Protein change: p.Val1502Leu; replaces valine 1502 with leucine.
Molecular consequence: missense variant.
Genome position (GRCh38, 1-based): chr2:73,451,031, G>C. VCF-style: chr2-73451031-G-C. GRCh37 (hg19) VCF-style: chr2-73678158-G-C.
Other names: c.4507G>C, p.Val1503Leu (NM_015120.4); short protein forms V1502L, V1503L.
Identifiers: ClinVar variation 3346373 (VCV003346373.1).

ClinVar aggregate classification (germline): Uncertain significance (0 of 4 stars; one submission).

Conditions:
ALMS1-related disorder. Also called: ALMS1-related condition.

Submission:

PreventionGenetics, part of Exact Sciences
Classification: Uncertain significance for ALMS1-related condition. Last evaluated: 2024-08-21. Review status: no assertion criteria provided. Collection method: clinical testing. Allele origin: germline.
Comment: The ALMS1 c.4507G>C variant is predicted to result in the amino acid substitution p.Val1503Leu. To our knowledge, this variant has not been reported in the literature or in a large population database, indicating this variant is rare. At this time, the clinical significance of this variant is uncertain due to the absence of conclusive functional and genetic evidence.